The following is an entry in ClinVar:

ClinVar aggregate classification (germline): Uncertain significance. Review status: criteria provided, multiple submitters, no conflicts (2 of 4 stars). 2 submissions from 2 submitters: Uncertain significance (2). Last evaluated 2024-06-16.

Conditions:
Inborn genetic diseases. Identifiers: MedGen C0950123, MeSH D030342.

Allele frequency attached by ClinVar (database versions not stated): gnomAD exomes 0.00001; TOPMed 0.00002; gnomAD 0.00003.
gnomAD v4.1: 8 of 1,613,904 alleles (0.0005%); highest among the groups gnomAD compares: African/African-American, 0.0067%; no homozygotes.

Submissions (2):

Ambry Genetics
Classification: Uncertain significance for Inborn genetic diseases. Last evaluated: 2024-06-16. Review status: criteria provided, single submitter. Criteria: Ambry Variant Classification Scheme 2023. Collection method: clinical testing. Allele origin: germline.

Labcorp Genetics (formerly Invitae), Labcorp
Classification: Uncertain significance. Last evaluated: 2023-04-24. Review status: criteria provided, single submitter. Criteria: Invitae Variant Classification Sherloc (09022015). Collection method: clinical testing. Allele origin: germline.
Comment: In summary, the available evidence is currently insufficient to determine the role of this variant in disease. Therefore, it has been classified as a Variant of Uncertain Significance. Advanced modeling of protein sequence and biophysical properties (such as structural, functional, and spatial information, amino acid conservation, physicochemical variation, residue mobility, and thermodynamic stability) performed at Invitae indicates that this missense variant is not expected to disrupt NSUN2 protein function. ClinVar contains an entry for this variant (Variation ID: 2067306). This variant has not been reported in the literature in individuals affected with NSUN2-related conditions. This variant is present in population databases (no rsID available, gnomAD 0.007%). This sequence change replaces glycine, which is neutral and non-polar, with serine, which is neutral and polar, at codon 82 of the NSUN2 protein (p.Gly82Ser).

NM_017755.6(NSUN2):c.244G>A (p.Gly82Ser)

Gene: NSUN2 (NOP2/Sun RNA methyltransferase 2; minus strand). Cytogenetic location: 5p15.31.
Variant type: single nucleotide variant.
Coding change: c.244G>A on transcript NM_017755.6 (MANE Select); coding-DNA position 244, G replaced by A.
Protein change: p.Gly82Ser; replaces glycine 82 with serine.
Molecular consequence: missense variant. On other transcripts: non-coding transcript variant (1).
Genome position (GRCh38, 1-based): chr5:6,632,609, C>T on the plus strand (G>A on the coding strand, the complement: NSUN2 is on the minus strand). VCF-style: chr5-6632609-C-T. GRCh37 (hg19) VCF-style: chr5-6632722-C-T.
Other names: c.244G>A, p.Gly82Ser (NM_001193455.2); c.244G>A (NM_017755.5); short protein forms G82S.
Identifiers: ClinVar variation 2067306 (VCV002067306.5), dbSNP rs1420399463, ClinGen allele CA359130067.